The following is an entry in ClinVar:

ClinVar aggregate classification (germline): Pathogenic (1 of 4 stars; one submission).

Conditions:
Primary ciliary dyskinesia 3. Identifiers: Orphanet 244, MedGen C1837618, MONDO:0012085, OMIM 608644.

Submission:

Myriad Genetics, Inc.
Classification: Pathogenic for Primary ciliary dyskinesia 3. Last evaluated: 2024-05-14. Review status: criteria provided, single submitter. Criteria: Myriad Autosomal Dominant, Autosomal Recessive and X-Linked Classification Criteria (2023). Collection method: clinical testing. Allele origin: unknown.
Comment: NM_001369.2(DNAH5):c.684_685ins19(L229Ffs*8) is expected to be pathogenic in the context of primary ciliary dyskinesia, DNAH5-related. This variant is predicted to lead to an abnormal or absent protein product due to the creation of a premature termination codon in DNAH5, a gene where loss-of-function variants are known to be pathogenic. Please note: this variant was assessed in the context of healthy population screening.

NM_001369.3(DNAH5):c.684_685insTTTTATTTTCCTCTGGCTT (p.Leu229fs)

Gene: DNAH5 (dynein axonemal heavy chain 5; minus strand). Cytogenetic location: 5p15.2.
Variant type: Insertion.
Coding change: c.684_685insTTTTATTTTCCTCTGGCTT on transcript NM_001369.3 (MANE Select); coding-DNA positions 684 to 685, TTTTATTTTCCTCTGGCTT inserted.
Protein change: p.Leu229fs; shifts the reading frame from leucine 229.
Molecular consequence: frameshift variant.
Genome position: GRCh38 VCF-style: chr5-13920593-G-GAAGCCAGAGGAAAATAAAA. GRCh37 (hg19) VCF-style: chr5-13920702-G-GAAGCCAGAGGAAAATAAAA.
Other names: short protein forms L229fs.
Identifiers: ClinVar variation 5016335 (VCV005016335.1).